The following is an entry in ClinVar:

NC_000007.13:g.(?_40488866)_(40488977_?)del

Gene: SUGCT (succinyl-CoA:glutarate-CoA transferase; plus strand). Cytogenetic location: 7p14.1.
Variant type: Deletion.
Identifiers: ClinVar variation 1448636 (VCV001448636.4).

ClinVar aggregate classification (germline): Uncertain significance (1 of 4 stars; one submission).

Submission:

Labcorp Genetics (formerly Invitae), Labcorp
Classification: Uncertain significance. Last evaluated: 2022-10-05. Review status: criteria provided, single submitter. Criteria: Invitae Variant Classification Sherloc (09022015). Collection method: clinical testing. Allele origin: germline.
Comment: This variant is a gross deletion of the genomic region encompassing exon(s) 10 of the SUGCT gene. This variant would be expected to be in-frame, preserving the integrity of the reading frame. This variant has not been reported in the literature in individuals affected with SUGCT-related conditions. Experimental studies and prediction algorithms are not available or were not evaluated, and the functional significance of this variant is currently unknown. In summary, the available evidence is currently insufficient to determine the role of this variant in disease. Therefore, it has been classified as a Variant of Uncertain Significance.